The following is an entry in ClinVar:

NM_005045.4(RELN):c.663A>T (p.Glu221Asp)

Gene: RELN (reelin; minus strand). Cytogenetic location: 7q22.1.
Variant type: single nucleotide variant.
Coding change: c.663A>T on transcript NM_005045.4 (MANE Select); coding-DNA position 663, A replaced by T.
Protein change: p.Glu221Asp; replaces glutamic acid 221 with aspartic acid.
Molecular consequence: missense variant.
Genome position (GRCh38, 1-based): chr7:103,728,201, T>A on the plus strand (A>T on the coding strand, the complement: RELN is on the minus strand). VCF-style: chr7-103728201-T-A. GRCh37 (hg19) VCF-style: chr7-103368648-T-A.
Other names: c.663A>T, p.Glu221Asp (NM_173054.3); c.663A>T (NM_005045.3); short protein forms E221D.
Identifiers: ClinVar variation 1419815 (VCV001419815.7), dbSNP rs1355761301, ClinGen allele CA368929310.

ClinVar aggregate classification (germline): Uncertain significance. Review status: criteria provided, multiple submitters, no conflicts (2 of 4 stars). 2 submissions from 2 submitters: Uncertain significance (2). Last evaluated 2025-10-08.

Conditions:
Inborn genetic diseases. Identifiers: MedGen C0950123, MeSH D030342.
Norman-Roberts syndrome (LIS2). Also called: Lissencephaly 2 (Norman-Roberts type). Identifiers: Orphanet 89844, MedGen C0796089, MONDO:0009760, OMIM 257320.
Familial temporal lobe epilepsy 7. Identifiers: Orphanet 101046, MedGen C4225327, MONDO:0014639, OMIM 616436.

Allele frequency attached by ClinVar (database versions not stated): gnomAD exomes below 0.00001; TOPMed 0.00001.
gnomAD v4.1: 3 of 1,613,740 alleles (0.00019%); highest among the groups gnomAD compares: Admixed American, 0.0017%; no homozygotes.

Submissions (2):

Labcorp Genetics (formerly Invitae), Labcorp
Classification: Uncertain significance for Familial temporal lobe epilepsy 7; Norman-Roberts syndrome. Last evaluated: 2025-10-08. Review status: criteria provided, single submitter. Criteria: Invitae Variant Classification Sherloc (09022015). Collection method: clinical testing. Allele origin: germline.
Comment: This sequence change replaces glutamic acid, which is acidic and polar, with aspartic acid, which is acidic and polar, at codon 221 of the RELN protein (p.Glu221Asp). This variant is not present in population databases (gnomAD no frequency). This variant has not been reported in the literature in individuals affected with RELN-related conditions. ClinVar contains an entry for this variant (Variation ID: 1419815). Invitae Evidence Modeling of protein sequence and biophysical properties (such as structural, functional, and spatial information, amino acid conservation, physicochemical variation, residue mobility, and thermodynamic stability) indicates that this missense variant is not expected to disrupt RELN protein function with a negative predictive value of 80%. In summary, the available evidence is currently insufficient to determine the role of this variant in disease. Therefore, it has been classified as a Variant of Uncertain Significance.

Ambry Genetics
Classification: Uncertain significance for Inborn genetic diseases. Last evaluated: 2025-03-11. Review status: criteria provided, single submitter. Criteria: Ambry Variant Classification Scheme 2023. Collection method: clinical testing. Allele origin: germline.